The following is an entry in ClinVar:

ClinVar aggregate classification (germline): Likely benign. Review status: criteria provided, multiple submitters, no conflicts (2 of 4 stars). 3 submissions from 3 submitters: Likely benign (3). Last evaluated 2025-02-14.

Conditions:
Breast-ovarian cancer, familial, susceptibility to, 3. Also called: RAD51C-Related Breast/Ovarian Cancer. Identifiers: Orphanet 145, MedGen C3150659, MONDO:0013253, OMIM 613399.
Hereditary cancer-predisposing syndrome. Also called: Tumor predisposition; Neoplastic Syndromes, Hereditary; Hereditary Cancer Syndrome; Hereditary neoplastic syndrome. Identifiers: Orphanet 140162, MedGen C0027672, MeSH D009386, MONDO:0015356.
Fanconi anemia complementation group O. Also called: RAD51C-Related Fanconi Anemia. Identifiers: Orphanet 84, MedGen C3150653, MONDO:0013248, OMIM 613390.

Submissions (3):

Myriad Genetics, Inc.
Classification: Likely benign for Breast-ovarian cancer, familial, susceptibility to, 3. Last evaluated: 2025-02-14. Review status: criteria provided, single submitter. Criteria: Myriad Autosomal Dominant, Autosomal Recessive and X-Linked Classification Criteria (2023). Collection method: clinical testing. Allele origin: unknown.
Comment: This variant is considered likely benign. This variant is intronic and is not expected to impact mRNA splicing.

Labcorp Genetics (formerly Invitae), Labcorp
Classification: Likely benign for Fanconi anemia complementation group O. Last evaluated: 2024-10-17. Review status: criteria provided, single submitter. Criteria: Invitae Variant Classification Sherloc (09022015). Collection method: clinical testing. Allele origin: germline.

Color Diagnostics, LLC DBA Color Health
Classification: Likely benign for Hereditary cancer-predisposing syndrome. Last evaluated: 2017-01-03. Review status: criteria provided, single submitter. Criteria: ACMG Guidelines, 2015. Collection method: clinical testing. Allele origin: germline.

NM_058216.3(RAD51C):c.145+8C>T

Genes: RAD51C (RAD51 paralog C; plus strand), LOC130061310 (ATAC-STARR-seq lymphoblastoid active region 12491; plus strand). Cytogenetic location: 17q22.
Variant type: single nucleotide variant.
Coding change: c.145+8C>T on transcript NM_058216.3 (MANE Select); 8 bases into the intron after coding-DNA position 145, C replaced by T.
Molecular consequence: intron variant.
Genome position (GRCh38, 1-based): chr17:58,692,796, C>T. VCF-style: chr17-58692796-C-T. GRCh37 (hg19) VCF-style: chr17-56770157-C-T.
Other names: c.145+8C>T (NM_002876.4).
Identifiers: ClinVar variation 492365 (VCV000492365.13), dbSNP rs1555592121, ClinGen allele CA658684137.